The following is an entry in ClinVar:

ClinVar aggregate classification (germline): Benign (1 of 4 stars; one submission).

Allele frequency attached by ClinVar (database versions not stated): 1000 Genomes Project 0.01038; 1000 Genomes Project 30x 0.01156; TOPMed 0.01884; gnomAD 0.02386 and 0.02436; gnomAD exomes 0.03403.

Submission:

GeneDx
Classification: Benign. Last evaluated: 2018-06-14. Review status: criteria provided, single submitter. Criteria: GeneDx Variant Classification (06012015). Collection method: clinical testing. Allele origin: germline. Affected: yes.
Comment: This variant is considered likely benign or benign based on one or more of the following criteria: it is a conservative change, it occurs at a poorly conserved position in the protein, it is predicted to be benign by multiple in silico algorithms, and/or has population frequency not consistent with disease.

NM_001134831.2(AHI1):c.1780-86_1780-83del

Gene: AHI1 (Abelson helper integration site 1; minus strand). Cytogenetic location: 6q23.3.
Variant type: Deletion.
Coding change: c.1780-86_1780-83del on transcript NM_001134831.2 (MANE Select); 86 bases into the intron before coding-DNA position 1780 through 83 bases into the intron before coding-DNA position 1780, 4 bases deleted (AAAA; older notation c.1780-86_1780-83delAAAA).
Molecular consequence: intron variant.
Genome position (GRCh38, 1-based): chr6:135,442,797-135,442,800, TTTT deleted on the plus strand (AAAA on the coding strand, the reverse complement: AHI1 is on the minus strand). VCF-style (leftmost placement, unchanged base first): chr6-135442796-CTTTT-C. GRCh37 (hg19) VCF-style: chr6-135763934-CTTTT-C.
Other names: c.1780-86_1780-83del (NM_001134830.2, NM_001350503.2, NM_017651.5 and 2 more transcripts); c.1780-86_1780-83delAAAA (NM_017651.4).
Identifiers: ClinVar variation 675912 (VCV000675912.1), dbSNP rs200653130, ClinGen allele CA148129433.